The following is an entry in ClinVar:

NM_006766.5(KAT6A):c.4443C>A (p.Ser1481Arg)

Gene: KAT6A (lysine acetyltransferase 6A; minus strand). Cytogenetic location: 8p11.21.
Variant type: single nucleotide variant.
Coding change: c.4443C>A on transcript NM_006766.5 (MANE Select); coding-DNA position 4443, C replaced by A.
Protein change: p.Ser1481Arg; replaces serine 1481 with arginine.
Molecular consequence: missense variant.
Genome position (GRCh38, 1-based): chr8:41,933,777, G>T on the plus strand (C>A on the coding strand, the complement: KAT6A is on the minus strand). VCF-style: chr8-41933777-G-T. GRCh37 (hg19) VCF-style: chr8-41791295-G-T.
Other names: short protein forms S1481R.
Identifiers: ClinVar variation 2285445 (VCV002285445.4), dbSNP rs766027638, ClinGen allele CA175939385.

ClinVar aggregate classification (germline): Conflicting classifications of pathogenicity. Review status: criteria provided, conflicting classifications (1 of 4 stars). 2 submissions from 2 submitters: Uncertain significance (1); Likely benign (1). Last evaluated 2024-02-02.

Conditions:
Inborn genetic diseases. Identifiers: MedGen C0950123, MeSH D030342.

gnomAD v4.1: 77 of 1,613,972 alleles (0.0048%); highest among the groups gnomAD compares: Non-Finnish European, 0.0061%; no homozygotes.

Submissions (2):

Labcorp Genetics (formerly Invitae), Labcorp
Classification: Uncertain significance. Last evaluated: 2024-02-02. Review status: criteria provided, single submitter. Criteria: Invitae Variant Classification Sherloc (09022015). Collection method: clinical testing. Allele origin: germline.
Comment: This sequence change replaces serine, which is neutral and polar, with arginine, which is basic and polar, at codon 1481 of the KAT6A protein (p.Ser1481Arg). This variant is present in population databases (rs766027638, gnomAD 0.002%). This variant has not been reported in the literature in individuals affected with KAT6A-related conditions. ClinVar contains an entry for this variant (Variation ID: 2285445). Advanced modeling of protein sequence and biophysical properties (such as structural, functional, and spatial information, amino acid conservation, physicochemical variation, residue mobility, and thermodynamic stability) performed at Invitae indicates that this missense variant is not expected to disrupt KAT6A protein function with a negative predictive value of 80%. In summary, the available evidence is currently insufficient to determine the role of this variant in disease. Therefore, it has been classified as a Variant of Uncertain Significance.

Ambry Genetics
Classification: Likely benign for Inborn genetic diseases. Last evaluated: 2022-04-25. Review status: criteria provided, single submitter. Criteria: Ambry Variant Classification Scheme 2023. Collection method: clinical testing. Allele origin: germline.